The following is an entry in ClinVar:

ClinVar aggregate classification (germline): Uncertain significance (1 of 4 stars; one submission).

Conditions:
Wilms tumor 1 (WT1). Also called: Wilms tumor, somatic. Identifiers: Orphanet 654, MedGen CN033288, MONDO:0008679, OMIM 194070.

gnomAD v4.1: 1 of 1,607,444 alleles (0.000062%); highest among the groups gnomAD compares: Admixed American, 0.0017%; no homozygotes.

Submission:

All of Us Research Program, National Institutes of Health
Classification: Uncertain significance for Wilms tumor 1. Last evaluated: 2024-03-05. Review status: criteria provided, single submitter. Criteria: ACMG Guidelines, 2015. Collection method: clinical testing. Allele origin: germline. Inheritance: Autosomal dominant inheritance. Observed: 1 variant allele, 1 heterozygote.
Comment: This study involves interpretation of variants in research participants for the purpose of population health screening. Participant phenotype was not available at the time of variant classification. Additional details can be found in publication PMID: 35346344, PMCID: PMC8962531

NM_024426.6(WT1):c.799T>C (p.Ser267Pro)

Gene: WT1 (WT1 transcription factor; minus strand). Cytogenetic location: 11p13.
Variant type: single nucleotide variant.
Coding change: c.799T>C on transcript NM_024426.6 (MANE Select); coding-DNA position 799, T replaced by C.
Protein change: p.Ser267Pro; replaces serine 267 with proline.
Molecular consequence: missense variant. On other transcripts: non-coding transcript variant (2).
Genome position (GRCh38, 1-based): chr11:32,428,044, A>G on the plus strand (T>C on the coding strand, the complement: WT1 is on the minus strand). VCF-style: chr11-32428044-A-G. GRCh37 (hg19) VCF-style: chr11-32449590-A-G.
Other names: c.799T>C, p.Ser267Pro (NM_000378.6, NM_001407044.1, NM_001407045.1 and 4 more transcripts); c.148T>C, p.Ser50Pro (NM_001198551.2, NM_001198552.2); c.676T>C, p.Ser226Pro (NM_001407047.1, NM_001407050.1); c.37T>C, p.Ser13Pro (NM_001407051.1); c.580T>C, p.Ser194Pro (NM_001429031.1, NM_001429032.1, NM_001429033.1 and 1 more transcripts); short protein forms S13P, S194P, S226P, S262P, S267P, S50P.
Identifiers: ClinVar variation 3386200 (VCV003386200.1).